The following is an entry in ClinVar:

ClinVar aggregate classification (germline): Pathogenic (1 of 4 stars; one submission).

Conditions:
Trichorhinophalangeal dysplasia type I (TRPS1). Also called: TRICHORHINOPHALANGEAL SYNDROME, TYPE I; TRPS I. Identifiers: Orphanet 77258, MedGen C0432233, MONDO:0008596, OMIM 190350.
Trichorhinophalangeal syndrome, type III (TRPS3). Also called: SUGIO-KAJII SYNDROME. Identifiers: Orphanet 77258, MedGen C1860823, OMIM 190351, MONDO:0008597.

Submission:

Labcorp Genetics (formerly Invitae), Labcorp
Classification: Pathogenic for Trichorhinophalangeal syndrome, type III; Trichorhinophalangeal dysplasia type I. Last evaluated: 2025-11-05. Review status: criteria provided, single submitter. Criteria: Invitae Variant Classification Sherloc (09022015). Collection method: clinical testing. Allele origin: germline.
Comment: This sequence change creates a premature translational stop signal (p.Gln1118*) in the TRPS1 gene. While this is not anticipated to result in nonsense mediated decay, it is expected to disrupt the last 177 amino acid(s) of the TRPS1 protein. This variant is not present in population databases (gnomAD no frequency). This variant has not been reported in the literature in individuals affected with TRPS1-related conditions. This variant disrupts a region of the TRPS1 protein in which other variant(s) (p.Cys1233Tyr) have been determined to be pathogenic (PMID: 31884116; internal data). This suggests that this is a clinically significant region of the protein, and that variants that disrupt it are likely to be disease-causing. For these reasons, this variant has been classified as Pathogenic.

Literature cited by the submitters: PubMed 31884116.

NM_014112.5(TRPS1):c.3352C>T (p.Gln1118Ter)

Gene: TRPS1 (transcriptional repressor GATA binding 1; minus strand). Cytogenetic location: 8q23.3.
Variant type: single nucleotide variant.
Coding change: c.3352C>T on transcript NM_014112.5 (MANE Select); coding-DNA position 3352, C replaced by T.
Protein change: p.Gln1118Ter; replaces glutamine 1118 with a stop codon.
Molecular consequence: nonsense.
Genome position (GRCh38, 1-based): chr8:115,414,556, G>A on the plus strand (C>T on the coding strand, the complement: TRPS1 is on the minus strand). VCF-style: chr8-115414556-G-A. GRCh37 (hg19) VCF-style: chr8-116426784-G-A.
Other names: c.3325C>T, p.Gln1109Ter (NM_001282902.3); c.3331C>T, p.Gln1111Ter (NM_001282903.3); c.3313C>T, p.Gln1105Ter (NM_001330599.2); short protein forms Q1105*, Q1111*, Q1109*, Q1118*.
Identifiers: ClinVar variation 4786347 (VCV004786347.1).